The following is an entry in ClinVar:

NM_000271.5(NPC1):c.181G>T (p.Glu61Ter)

Gene: NPC1 (NPC intracellular cholesterol transporter 1; minus strand). Cytogenetic location: 18q11.2.
Variant type: single nucleotide variant.
Coding change: c.181G>T on transcript NM_000271.5 (MANE Select); coding-DNA position 181, G replaced by T.
Protein change: p.Glu61Ter; replaces glutamic acid 61 with a stop codon.
Molecular consequence: nonsense.
Genome position (GRCh38, 1-based): chr18:23,572,180, C>A on the plus strand (G>T on the coding strand, the complement: NPC1 is on the minus strand). VCF-style: chr18-23572180-C-A. GRCh37 (hg19) VCF-style: chr18-21152144-C-A.
Other names: short protein forms E61*.
Identifiers: ClinVar variation 931605 (VCV000931605.15), dbSNP rs2059213874, ClinGen allele CA401786671.

ClinVar aggregate classification (germline): Pathogenic/Likely pathogenic. Review status: criteria provided, multiple submitters, no conflicts (2 of 4 stars). 3 submissions from 3 submitters: Pathogenic (2); Likely pathogenic (1). Last evaluated 2025-08-01.

Conditions:
Niemann-Pick disease, type C1. Also called: NEUROVISCERAL STORAGE DISEASE WITH VERTICAL SUPRANUCLEAR OPHTHALMOPLEGIA; NIEMANN-PICK DISEASE WITH CHOLESTEROL ESTERIFICATION BLOCK; NIEMANN-PICK DISEASE WITHOUT SPHINGOMYELINASE DEFICIENCY; NIEMANN-PICK DISEASE, CHRONIC NEURONOPATHIC FORM; NIEMANN-PICK DISEASE, VARIANT TYPE C1. Identifiers: Orphanet 646, MedGen C3179455, MONDO:0009757, OMIM 257220.

Submissions (3):

CeGaT Center for Human Genetics Tuebingen
Classification: Pathogenic. Last evaluated: 2025-08-01. Review status: criteria provided, single submitter. Criteria: CeGaT Center For Human Genetics Tuebingen Variant Classification Criteria Version 2. Collection method: clinical testing. Allele origin: germline. Affected: yes. Observed: 1 variant allele.
Comment: NPC1: PVS1, PM2

Labcorp Genetics (formerly Invitae), Labcorp
Classification: Pathogenic for Niemann-Pick disease, type C1. Last evaluated: 2022-07-10. Review status: criteria provided, single submitter. Criteria: Invitae Variant Classification Sherloc (09022015). Collection method: clinical testing. Allele origin: germline.
Comment: For these reasons, this variant has been classified as Pathogenic. Algorithms developed to predict the effect of sequence changes on RNA splicing suggest that this variant may create or strengthen a splice site. ClinVar contains an entry for this variant (Variation ID: 931605). This variant has not been reported in the literature in individuals affected with NPC1-related conditions. This variant is not present in population databases (gnomAD no frequency). This sequence change creates a premature translational stop signal (p.Glu61*) in the NPC1 gene. It is expected to result in an absent or disrupted protein product. Loss-of-function variants in NPC1 are known to be pathogenic (PMID: 9211850).

Centre for Mendelian Genomics, University Medical Centre Ljubljana
Classification: Likely pathogenic for Niemann-Pick disease, type C1. Last evaluated: 2020-01-13. Review status: criteria provided, single submitter. Criteria: ACMG Guidelines, 2015. Collection method: clinical testing. Allele origin: unknown. Affected: yes.
Comment: This variant was classified as: Likely pathogenic. The following ACMG criteria were applied in classifying this variant: PVS1,PM2.

Literature cited by the submitters: PubMed 9211850 (cited by Labcorp Genetics (formerly Invitae), Labcorp).